The following is an entry in ClinVar:

ClinVar aggregate classification (germline): Uncertain significance (1 of 4 stars; one submission).

Conditions:
Nephronophthisis. Also called: Juvenile Nephronophthisis. Identifiers: Orphanet 655, MedGen C0687120, MONDO:0019005, HP:0000090.

Allele frequency attached by ClinVar (database versions not stated): gnomAD exomes below 0.00001.
gnomAD v4.1: 1 of 1,614,010 alleles (0.000062%); highest among the groups gnomAD compares: Non-Finnish European, 0.000085%; no homozygotes.

Submission:

Labcorp Genetics (formerly Invitae), Labcorp
Classification: Uncertain significance for Nephronophthisis. Last evaluated: 2020-04-18. Review status: criteria provided, single submitter. Criteria: Invitae Variant Classification Sherloc (09022015). Collection method: clinical testing. Allele origin: germline.
Comment: In summary, the available evidence is currently insufficient to determine the role of this variant in disease. Therefore, it has been classified as a Variant of Uncertain Significance. Algorithms developed to predict the effect of missense changes on protein structure and function output the following: SIFT: "Tolerated"; PolyPhen-2: "Benign"; Align-GVGD: "Class C0". The arginine amino acid residue is found in multiple mammalian species, suggesting that this missense change does not adversely affect protein function. These predictions have not been confirmed by published functional studies and their clinical significance is uncertain. This variant has not been reported in the literature in individuals with IQCB1-related conditions. This variant is not present in population databases (ExAC no frequency). This sequence change replaces glutamine with arginine at codon 409 of the IQCB1 protein (p.Gln409Arg). The glutamine residue is highly conserved and there is a small physicochemical difference between glutamine and arginine.

NM_001023570.4(IQCB1):c.1226A>G (p.Gln409Arg)

Gene: IQCB1 (IQ motif containing B1; minus strand). Cytogenetic location: 3q13.33.
Variant type: single nucleotide variant.
Coding change: c.1226A>G on transcript NM_001023570.4 (MANE Select); coding-DNA position 1226, A replaced by G.
Protein change: p.Gln409Arg; replaces glutamine 409 with arginine.
Molecular consequence: missense variant. On other transcripts: non-coding transcript variant (1).
Genome position (GRCh38, 1-based): chr3:121,788,336, T>C on the plus strand (A>G on the coding strand, the complement: IQCB1 is on the minus strand). VCF-style: chr3-121788336-T-C. GRCh37 (hg19) VCF-style: chr3-121507183-T-C.
Other names: c.827A>G, p.Gln276Arg (NM_001023571.4); c.1226A>G, p.Gln409Arg (NM_001319107.2); short protein forms Q276R, Q409R.
Identifiers: ClinVar variation 1036992 (VCV001036992.8), dbSNP rs368525345, ClinGen allele CA354115549.